The following is an entry in ClinVar:

ClinVar aggregate classification (germline): Uncertain significance. Review status: criteria provided, multiple submitters, no conflicts (2 of 4 stars). 7 submissions from 7 submitters: Uncertain significance (4). 3 of the submissions do not count toward it. Last evaluated 2025-12-08.

Conditions:
VPS13B-related disorder. Also called: VPS13B-related condition.
Cohen syndrome (COH1). Also called: PEPPER SYNDROME; Cutis verticis gyrata, retinitis pigmentosa, and sensorineural deafness. Identifiers: Orphanet 193, MedGen C0265223, MONDO:0008999, OMIM 216550.

Allele frequency attached by ClinVar (database versions not stated): gnomAD exomes below 0.00001; ExAC 0.00001; gnomAD 0.00001; TOPMed 0.00001.
gnomAD v4.1: 7 of 1,613,786 alleles (0.00043%); highest among the groups gnomAD compares: Non-Finnish European, 0.00025%; no homozygotes.

Submissions (7):

Women's Health and Genetics/Laboratory Corporation of America, LabCorp
Classification: Uncertain significance. Last evaluated: 2025-12-08. Review status: criteria provided, single submitter. Criteria: LabCorp Variant Classification Summary - May 2015. Collection method: clinical testing. Allele origin: germline.
Comment: Variant summary: VPS13B c.7022A>G (p.Tyr2341Cys) results in a non-conservative amino acid change in the encoded protein sequence. Algorithms developed to predict the effect of missense changes on protein structure and function all suggest that this variant is likely to be disruptive. The variant allele was found at a frequency of 4e-06 in 251286 control chromosomes. c.7022A>G has been observed in a compound heterozygous individual affected with Cohen Syndrome (Hennies_2004). At least one publication reports experimental evidence evaluating an impact on protein function. The variant exhibited normal protein expression, but was found to have a diffuse cytoplasmic staining pattern as opposed to localizing to the Golgi and it was unable to rescue siRNA-induced Golgi fragmentation, unlike the the WT protein (Zorn_2022). The following publications have been ascertained in the context of this evaluation (PMID: 15154116, 35690661). ClinVar contains an entry for this variant (Variation ID: 56685). Based on the evidence outlined above, the variant was classified as VUS-possibly pathogenic.

Labcorp Genetics (formerly Invitae), Labcorp
Classification: Uncertain significance for Cohen syndrome. Last evaluated: 2025-09-15. Review status: criteria provided, single submitter. Criteria: Invitae Variant Classification Sherloc (09022015). Collection method: clinical testing. Allele origin: germline.
Comment: This sequence change replaces tyrosine, which is neutral and polar, with cysteine, which is neutral and slightly polar, at codon 2341 of the VPS13B protein (p.Tyr2341Cys). This variant is present in population databases (rs386834104, gnomAD 0.01%). This missense change has been observed in individual(s) with Cohen syndrome (PMID: 15154116). ClinVar contains an entry for this variant (Variation ID: 56685). Invitae Evidence Modeling of protein sequence and biophysical properties (such as structural, functional, and spatial information, amino acid conservation, physicochemical variation, residue mobility, and thermodynamic stability) indicates that this missense variant is expected to disrupt VPS13B protein function with a positive predictive value of 80%. In summary, the available evidence is currently insufficient to determine the role of this variant in disease. Therefore, it has been classified as a Variant of Uncertain Significance.

Blueprint Genetics
Classification: Uncertain significance. Last evaluated: 2022-07-26. Review status: criteria provided, single submitter. Criteria: ACMG Guidelines, 2015. Collection method: clinical testing. Allele origin: germline.

Fulgent Genetics
Classification: Uncertain significance for Cohen syndrome. Last evaluated: 2022-04-14. Review status: criteria provided, single submitter. Criteria: ACMG Guidelines, 2015. Collection method: clinical testing. Allele origin: unknown.

PreventionGenetics, part of Exact Sciences
Classification: Uncertain significance for VPS13B-related condition. Last evaluated: 2024-06-05. Review status: no assertion criteria provided. Collection method: clinical testing. Allele origin: germline. Not counted in ClinVar's aggregate classification.
Comment: The VPS13B c.6947A>G variant is predicted to result in the amino acid substitution p.Tyr2316Cys. The VPS13B gene was previously known as COH1 with this variant being described using alternative nomenclature of c.7022A>G (p.Tyr2341Cys). This variant was reported in the compound heterozygous state along with a truncating variant in a patient with Cohen syndrome (Hennies et al. 2004. PubMed ID: 15154116). This variant is reported in 0.0096% of alleles in individuals of Ashkenazi Jewish descent in gnomAD. Although we suspect that this variant may be pathogenic, at this time, the clinical significance of this variant is uncertain due to the absence of conclusive functional and genetic evidence.

Natera, Inc.
Classification: Uncertain significance for Cohen syndrome. Last evaluated: 2020-10-15. Review status: no assertion criteria provided. Collection method: clinical testing. Allele origin: germline. Not counted in ClinVar's aggregate classification.

Juha Muilu Group; Institute for Molecular Medicine Finland (FIMM)
Classification: Likely pathogenic for Cohen syndrome. Review status: no assertion criteria provided. Collection method: not provided. Allele origin: unknown. Not counted in ClinVar's aggregate classification.
Comment: FinDis database variant: This variant was not found or characterized by our laboratory, data were collected from public sources: see reference
ClinVar note: Converted during submission from probable-pathogenic to Likely pathogenic.

Literature cited by the submitters: PubMed 15154116 (cited by Women's Health and Genetics/Laboratory Corporation of America, LabCorp and Labcorp Genetics (formerly Invitae), Labcorp); PubMed 35690661 (cited by Women's Health and Genetics/Laboratory Corporation of America, LabCorp).

NM_152564.5(VPS13B):c.6947A>G (p.Tyr2316Cys)

Gene: VPS13B (vacuolar protein sorting 13 homolog B; plus strand). Cytogenetic location: 8q22.2.
Variant type: single nucleotide variant.
Coding change: c.6947A>G on transcript NM_152564.5 (MANE Select); coding-DNA position 6947, A replaced by G.
Protein change: p.Tyr2316Cys; replaces tyrosine 2316 with cysteine.
Molecular consequence: missense variant.
Genome position (GRCh38, 1-based): chr8:99,720,944, A>G. VCF-style: chr8-99720944-A-G. GRCh37 (hg19) VCF-style: chr8-100733172-A-G.
Other names: c.7022A>G, p.Tyr2341Cys (NM_017890.5); c.6947A>G (NM_152564.4); short protein forms Y2341C, Y2316C.
Identifiers: ClinVar variation 56685 (VCV000056685.15), dbSNP rs386834104, ClinGen allele CA264115.